The following is an entry in ClinVar:

ClinVar aggregate classification (germline): Uncertain significance (1 of 4 stars; one submission).

Submission:

Labcorp Genetics (formerly Invitae), Labcorp
Classification: Uncertain significance. Last evaluated: 2024-12-02. Review status: criteria provided, single submitter. Criteria: Invitae Variant Classification Sherloc (09022015). Collection method: clinical testing. Allele origin: germline.
Comment: This sequence change replaces glutamine, which is neutral and polar, with leucine, which is neutral and non-polar, at codon 315 of the NDUFAF5 protein (p.Gln315Leu). This variant is not present in population databases (gnomAD no frequency). This variant has not been reported in the literature in individuals affected with NDUFAF5-related conditions. ClinVar contains an entry for this variant (Variation ID: 2117766). Invitae Evidence Modeling of protein sequence and biophysical properties (such as structural, functional, and spatial information, amino acid conservation, physicochemical variation, residue mobility, and thermodynamic stability) indicates that this missense variant is expected to disrupt NDUFAF5 protein function with a positive predictive value of 95%. Algorithms developed to predict the effect of sequence changes on RNA splicing suggest that this variant may disrupt the consensus splice site. In summary, the available evidence is currently insufficient to determine the role of this variant in disease. Therefore, it has been classified as a Variant of Uncertain Significance.

NM_024120.5(NDUFAF5):c.944A>T (p.Gln315Leu)

Gene: NDUFAF5 (NADH:ubiquinone oxidoreductase complex assembly factor 5; plus strand). Cytogenetic location: 20p12.1.
Variant type: single nucleotide variant.
Coding change: c.944A>T on transcript NM_024120.5 (MANE Select); coding-DNA position 944, A replaced by T.
Protein change: p.Gln315Leu; replaces glutamine 315 with leucine.
Molecular consequence: missense variant. On other transcripts: non-coding transcript variant (7).
Genome position (GRCh38, 1-based): chr20:13,816,956, A>T. VCF-style: chr20-13816956-A-T. GRCh37 (hg19) VCF-style: chr20-13797602-A-T.
Other names: c.860A>T, p.Gln287Leu (NM_001039375.3); c.473A>T, p.Gln158Leu (NM_001352403.2); c.383A>T, p.Gln128Leu (NM_001352406.2, NM_001352407.2); short protein forms Q315L, Q158L, Q128L, Q287L.
Identifiers: ClinVar variation 2117766 (VCV002117766.3), dbSNP rs2516274300, ClinGen allele CA408274782.